The following is an entry in ClinVar:

ClinVar aggregate classification (germline): Uncertain significance (1 of 4 stars; one submission).

Submission:

Labcorp Genetics (formerly Invitae), Labcorp
Classification: Uncertain significance. Last evaluated: 2024-04-15. Review status: criteria provided, single submitter. Criteria: Invitae Variant Classification Sherloc (09022015). Collection method: clinical testing. Allele origin: germline.
Comment: This sequence change replaces glutamic acid, which is acidic and polar, with glycine, which is neutral and non-polar, at codon 1055 of the NRIP1 protein (p.Glu1055Gly). This variant is not present in population databases (gnomAD no frequency). This variant has not been reported in the literature in individuals affected with NRIP1-related conditions. An algorithm developed to predict the effect of missense changes on protein structure and function (PolyPhen-2) suggests that this variant is likely to be tolerated. In summary, the available evidence is currently insufficient to determine the role of this variant in disease. Therefore, it has been classified as a Variant of Uncertain Significance.

NM_003489.4(NRIP1):c.3164A>G (p.Glu1055Gly)

Gene: NRIP1 (nuclear receptor interacting protein 1; minus strand). Cytogenetic location: 21q11.2.
Variant type: single nucleotide variant.
Coding change: c.3164A>G on transcript NM_003489.4 (MANE Select); coding-DNA position 3164, A replaced by G.
Protein change: p.Glu1055Gly; replaces glutamic acid 1055 with glycine.
Molecular consequence: missense variant.
Genome position (GRCh38, 1-based): chr21:14,965,029, T>C on the plus strand (A>G on the coding strand, the complement: NRIP1 is on the minus strand). VCF-style: chr21-14965029-T-C. GRCh37 (hg19) VCF-style: chr21-16337350-T-C.
Other names: short protein forms E1055G.
Identifiers: ClinVar variation 3700718 (VCV003700718.2).